The following is an entry in ClinVar:

ClinVar aggregate classification (germline): Uncertain significance (1 of 4 stars; one submission).

Allele frequency attached by ClinVar (database versions not stated): gnomAD exomes below 0.00001; TOPMed below 0.00001; ExAC 0.00001; gnomAD 0.00001.
gnomAD v4.1: 5 of 1,614,036 alleles (0.00031%); highest among the groups gnomAD compares: African/African-American, 0.0053%; no homozygotes.

Submission:

GeneDx
Classification: Uncertain significance. Last evaluated: 2020-01-31. Review status: criteria provided, single submitter. Criteria: GeneDx Variant Classification Process June 2021. Collection method: clinical testing. Allele origin: germline. Affected: yes.
Comment: Not observed at a significant frequency in large population cohorts (Lek et al., 2016); In silico analysis supports that this missense variant does not alter protein structure/function; Has not been previously published as pathogenic or benign to our knowledge

NM_005214.5(CTLA4):c.136G>A (p.Val46Ile)

Gene: CTLA4 (cytotoxic T-lymphocyte associated protein 4; plus strand). Cytogenetic location: 2q33.2.
Variant type: single nucleotide variant.
Coding change: c.136G>A on transcript NM_005214.5 (MANE Select); coding-DNA position 136, G replaced by A.
Protein change: p.Val46Ile; replaces valine 46 with isoleucine.
Molecular consequence: missense variant.
Genome position (GRCh38, 1-based): chr2:203,870,612, G>A. VCF-style: chr2-203870612-G-A. GRCh37 (hg19) VCF-style: chr2-204735335-G-A.
Other names: c.136G>A, p.Val46Ile (NM_001037631.3); short protein forms V46I.
Identifiers: ClinVar variation 1312019 (VCV001312019.2), dbSNP rs766143912, ClinGen allele CA2067065.
Genomic context (GRCh38, chr2:203,870,612, plus strand): 5'-GTTCACTGAGTTCCCTTTGGCTTTTCCATGCTAGCAATGCACGTGGCCCAGCCTGCTGTG[G>A]TACTGGCCAGCAGCCGAGGCATCGCCAGCTTTGTGTGTGAGTATGCATCTCCAGGCAAAG-3'
Protein context (NP_005205.2, residues 36-56): KAMHVAQPAV[Val46Ile]LASSRGIASF